The following is an entry in ClinVar:

NM_003839.4(TNFRSF11A):c.1079T>A (p.Leu360Ter)

Gene: TNFRSF11A (TNF receptor superfamily member 11a; plus strand). Cytogenetic location: 18q21.33.
Variant type: single nucleotide variant.
Coding change: c.1079T>A on transcript NM_003839.4 (MANE Select); coding-DNA position 1079, T replaced by A.
Protein change: p.Leu360Ter; replaces leucine 360 with a stop codon.
Molecular consequence: nonsense. On other transcripts: intron variant (3).
Genome position (GRCh38, 1-based): chr18:62,368,996, T>A. VCF-style: chr18-62368996-T-A. GRCh37 (hg19) VCF-style: chr18-60036229-T-A.
Other names: c.1037T>A, p.Leu346Ter (NM_001278268.2); c.783+2236T>A (NM_001270949.2); c.730+7203T>A (NM_001270950.2); c.616+8947T>A (NM_001270951.2); short protein forms L360*, L346*.
Identifiers: ClinVar variation 1368167 (VCV001368167.6), dbSNP rs2145355902, ClinGen allele CA402617014.

ClinVar aggregate classification (germline): Pathogenic (1 of 4 stars; one submission).

Submission:

Labcorp Genetics (formerly Invitae), Labcorp
Classification: Pathogenic. Last evaluated: 2021-06-07. Review status: criteria provided, single submitter. Criteria: Invitae Variant Classification Sherloc (09022015). Collection method: clinical testing. Allele origin: germline.
Comment: This sequence change creates a premature translational stop signal (p.Leu360*) in the TNFRSF11A gene. It is expected to result in an absent or disrupted protein product. Loss-of-function variants in TNFRSF11A are known to be pathogenic (PMID: 10677500, 18606301, 22271396). This variant is not present in population databases (ExAC no frequency). This variant has not been reported in the literature in individuals with TNFRSF11A-related conditions. For these reasons, this variant has been classified as Pathogenic.

Literature cited by the submitters: PubMed 10677500; PubMed 18606301; PubMed 22271396.